The following is an entry in ClinVar:

ClinVar aggregate classification (germline): Uncertain significance (1 of 4 stars; one submission).

Conditions:
Severe combined immunodeficiency, autosomal recessive, T cell-negative, B cell-negative, NK cell-positive. Also called: SCID, T CELL-NEGATIVE, B CELL-NEGATIVE, NK CELL-POSITIVE; SCID, AR, T-cell negative, B-cell negative, NK cell-positive; Severe combined immunodeficiency due to complete RAG1/2 deficiency. Identifiers: Orphanet 331206, MedGen C1832322, MONDO:0011086, OMIM 601457.
Combined immunodeficiency with skin granulomas. Identifiers: Orphanet 157949, MedGen C2673536, MONDO:0009306, OMIM 233650.

Submission:

Labcorp Genetics (formerly Invitae), Labcorp
Classification: Uncertain significance for Combined immunodeficiency with skin granulomas; Severe combined immunodeficiency, autosomal recessive, T cell-negative, B cell-negative, NK cell-positive. Last evaluated: 2022-07-18. Review status: criteria provided, single submitter. Criteria: Invitae Variant Classification Sherloc (09022015). Collection method: clinical testing. Allele origin: germline.
Comment: This sequence change replaces glutamic acid, which is acidic and polar, with glutamine, which is neutral and polar, at codon 188 of the RAG2 protein (p.Glu188Gln). In summary, the available evidence is currently insufficient to determine the role of this variant in disease. Therefore, it has been classified as a Variant of Uncertain Significance. Algorithms developed to predict the effect of missense changes on protein structure and function are either unavailable or do not agree on the potential impact of this missense change (SIFT: "Tolerated"; PolyPhen-2: "Probably Damaging"; Align-GVGD: "Class C0"). ClinVar contains an entry for this variant (Variation ID: 536962). This variant has not been reported in the literature in individuals affected with RAG2-related conditions. This variant is not present in population databases (gnomAD no frequency).

NM_000536.4(RAG2):c.562G>C (p.Glu188Gln)

Gene: RAG2 (recombination activating 2; minus strand). Cytogenetic location: 11p12.
Variant type: single nucleotide variant.
Coding change: c.562G>C on transcript NM_000536.4 (MANE Select); coding-DNA position 562, G replaced by C.
Protein change: p.Glu188Gln; replaces glutamic acid 188 with glutamine.
Molecular consequence: missense variant.
Genome position (GRCh38, 1-based): chr11:36,593,607, C>G on the plus strand (G>C on the coding strand, the complement: RAG2 is on the minus strand). VCF-style: chr11-36593607-C-G. GRCh37 (hg19) VCF-style: chr11-36615157-C-G.
Other names: c.562G>C, p.Glu188Gln (NM_001243785.2, NM_001243786.2); short protein forms E188Q.
Identifiers: ClinVar variation 536962 (VCV000536962.8), dbSNP rs1554947160, ClinGen allele CA380142594.
Genomic context (GRCh38, chr11:36,593,607, plus strand): 5'-CATGAAAAGATAGCCCATCCTGAAGTTCTGGAAGAATGTATGATGTAGCACACCCAAATT[C>G]AAAATCCACCAGGAAAACACAGGGCAGGCAGTCAGCTACACTATTCCATTTTTCTGTGGT-3'
Protein context (NP_000527.2, residues 178-198): CLPCVFLVDF[Glu188Gln]FGCATSYILP